The following is an entry in ClinVar:

ClinVar aggregate classification (germline): Likely benign. Review status: criteria provided, single submitter (1 of 4 stars). 2 submissions from 2 submitters: Likely benign (1). 1 of the submissions does not count toward it. Last evaluated 2025-03-04.

Conditions:
KBG syndrome (KBGS). Also called: ANKRD11-Related KBG Syndrome. Identifiers: Orphanet 2332, MedGen C0220687, MONDO:0007846, OMIM 148050.
ANKRD11-related disorder. Also called: ANKRD11-related condition.

Allele frequency attached by ClinVar (database versions not stated): TOPMed 0.00003; gnomAD 0.00005.
gnomAD v4.1: 53 of 1,613,956 alleles (0.0033%); highest among the groups gnomAD compares: Admixed American, 0.028%; no homozygotes.

Submissions (2):

Labcorp Genetics (formerly Invitae), Labcorp
Classification: Likely benign for KBG syndrome. Last evaluated: 2025-03-04. Review status: criteria provided, single submitter. Criteria: Invitae Variant Classification Sherloc (09022015). Collection method: clinical testing. Allele origin: germline.

PreventionGenetics, part of Exact Sciences
Classification: Likely benign for ANKRD11-related condition. Last evaluated: 2019-03-22. Review status: no assertion criteria provided. Collection method: clinical testing. Allele origin: germline. Not counted in ClinVar's aggregate classification.
Comment: This variant is classified as likely benign based on ACMG/AMP sequence variant interpretation guidelines (Richards et al. 2015 PMID: 25741868, with internal and published modifications).

NM_013275.6(ANKRD11):c.3375C>T (p.Asp1125=)

Gene: ANKRD11 (ankyrin repeat domain 11; minus strand). Cytogenetic location: 16q24.3.
Variant type: single nucleotide variant.
Coding change: c.3375C>T on transcript NM_013275.6 (MANE Select); coding-DNA position 3375, C replaced by T.
Protein change: p.Asp1125=; no amino-acid change (aspartic acid 1125 retained).
Molecular consequence: synonymous variant.
Genome position (GRCh38, 1-based): chr16:89,283,167, G>A on the plus strand (C>T on the coding strand, the complement: ANKRD11 is on the minus strand). VCF-style: chr16-89283167-G-A. GRCh37 (hg19) VCF-style: chr16-89349575-G-A.
Other names: c.3375C>T, p.Asp1125= (NM_001256182.2, NM_001256183.2).
Identifiers: ClinVar variation 711206 (VCV000711206.11), dbSNP rs751187108, ClinGen allele CA8242375.